The following is an entry in ClinVar:

NM_000344.4(SMN1):c.835-24T>A

Gene: SMN1 (survival of motor neuron 1, telomeric). Cytogenetic location: 5q13.2.
Variant type: single nucleotide variant.
Coding change: c.835-24T>A on transcript NM_000344.4 (MANE Select); 24 bases into the intron before coding-DNA position 835, T replaced by A.
Molecular consequence: intron variant.
Genome position (GRCh38, 1-based): chr5:70,951,917, T>A. VCF-style: chr5-70951917-T-A. GRCh37 (hg19) VCF-style: chr5-70247744-T-A.
Other names: c.835-522T>A (NM_001297715.1); c.739-24T>A (NM_022874.2).
Identifiers: ClinVar variation 495825 (VCV000495825.1), dbSNP rs748758067, ClinGen allele CA3295113.

ClinVar aggregate classification (germline): Uncertain significance (1 of 4 stars; one submission).

Allele frequency attached by ClinVar (database versions not stated): gnomAD exomes below 0.00001 and 0.00001; ExAC 0.00001.
gnomAD v4.1: 3 of 1,609,022 alleles (0.00019%); highest among the groups gnomAD compares: Non-Finnish European, 0.00026%; no homozygotes.

Submission:

Women's Health and Genetics/Laboratory Corporation of America, LabCorp
Classification: Uncertain significance. Last evaluated: 2017-06-22. Review status: criteria provided, single submitter. Criteria: LabCorp Variant Classification Summary - May 2015. Collection method: clinical testing. Allele origin: germline.
Comment: Variant summary: The SMN1 c.835-24T>A variant involves the alteration of a non-conserved intronic nucleotide. One in silico tool predicts a benign outcome for this variant. 5/5 splice prediction tools predict no significant impact on normal splicing. However, these predictions have yet to be confirmed by functional studies. This variant was found in 1/118368 control chromosomes at a frequency of 0.0000084, which does not exceed the estimated maximal expected allele frequency of a pathogenic SMN1 variant (0.0025). The variant of interest has not, to our knowledge, been reported in affected individuals via publications and/or reputable databases/clinical diagnostic laboratories; nor evaluated for functional impact by in vivo/vitro studies. Taken together, this variant is classified as VUS-possibly benign.